The following is an entry in ClinVar:

NM_001220.5(CAMK2B):c.1067C>T (p.Thr356Met)

Gene: CAMK2B (calcium/calmodulin dependent protein kinase II beta; minus strand). Cytogenetic location: 7p13.
Variant type: single nucleotide variant.
Coding change: c.1067C>T on transcript NM_001220.5 (MANE Select); coding-DNA position 1067, C replaced by T.
Protein change: p.Thr356Met; replaces threonine 356 with methionine.
Molecular consequence: missense variant. On other transcripts: intron variant (3).
Genome position (GRCh38, 1-based): chr7:44,234,454, G>A on the plus strand (C>T on the coding strand, the complement: CAMK2B is on the minus strand). VCF-style: chr7-44234454-G-A. GRCh37 (hg19) VCF-style: chr7-44274053-G-A.
Other names: c.1067C>T, p.Thr356Met (NM_001293170.2, NM_172078.3); c.995C>T, p.Thr332Met (NM_172079.3, NM_172081.3); c.992C>T, p.Thr331Met (NM_172080.3); c.946+6253C>T (NM_172084.3); c.987+185C>T (NM_172083.3); c.1059+185C>T (NM_172082.3); c.1067C>T (NM_001220.4); short protein forms T331M, T332M, T356M.
Identifiers: ClinVar variation 1375496 (VCV001375496.31), dbSNP rs774876084, ClinGen allele CA4240479.

ClinVar aggregate classification (germline): Likely benign. Review status: criteria provided, multiple submitters, no conflicts (2 of 4 stars). 3 submissions from 3 submitters: Likely benign (3). Last evaluated 2025-04-10.

Conditions:
Inborn genetic diseases. Identifiers: MedGen C0950123, MeSH D030342.

Allele frequency attached by ClinVar (database versions not stated): gnomAD 0.00001; gnomAD exomes 0.00001 and 0.00003; TOPMed 0.00002; ExAC 0.00005.
gnomAD v4.1: 20 of 1,567,344 alleles (0.0013%); highest among the groups gnomAD compares: East Asian, 0.0068%; no homozygotes.

Submissions (3):

Labcorp Genetics (formerly Invitae), Labcorp
Classification: Likely benign. Last evaluated: 2025-04-10. Review status: criteria provided, single submitter. Criteria: Invitae Variant Classification Sherloc (09022015). Collection method: clinical testing. Allele origin: germline.

Ambry Genetics
Classification: Likely benign for Inborn genetic diseases. Last evaluated: 2023-06-07. Review status: criteria provided, single submitter. Criteria: Ambry Variant Classification Scheme 2023. Collection method: clinical testing. Allele origin: germline.

CeGaT Center for Human Genetics Tuebingen
Classification: Likely benign. Last evaluated: 2023-04-01. Review status: criteria provided, single submitter. Criteria: CeGaT Center For Human Genetics Tuebingen Variant Classification Criteria Version 2. Collection method: clinical testing. Allele origin: germline. Affected: yes. Observed: 1 variant allele.
Comment: CAMK2B: PP2, BS1